The following is an entry in ClinVar:

ClinVar aggregate classification (germline): Uncertain significance (1 of 4 stars; one submission).

Conditions:
Nemaline myopathy 2 (NEM2). Also called: Nemaline myopathy 2, autosomal recessive. Identifiers: MedGen C1850569, MONDO:0009725, OMIM 256030.

gnomAD v4.1: 1 of 1,550,188 alleles (0.000065%); no homozygotes.

Submission:

Labcorp Genetics (formerly Invitae), Labcorp
Classification: Uncertain significance for Nemaline myopathy 2. Last evaluated: 2022-02-14. Review status: criteria provided, single submitter. Criteria: Invitae Variant Classification Sherloc (09022015). Collection method: clinical testing. Allele origin: germline.
Comment: This sequence change replaces histidine, which is basic and polar, with tyrosine, which is neutral and polar, at codon 7170 of the NEB protein (p.His7170Tyr). This variant is not present in population databases (gnomAD no frequency). This variant has not been reported in the literature in individuals affected with NEB-related conditions. Algorithms developed to predict the effect of missense changes on protein structure and function are either unavailable or do not agree on the potential impact of this missense change (SIFT: "Deleterious"; PolyPhen-2: "Not Available"; Align-GVGD: "Class C0"). In summary, the available evidence is currently insufficient to determine the role of this variant in disease. Therefore, it has been classified as a Variant of Uncertain Significance.

NM_001164508.2(NEB):c.21403C>T (p.His7135Tyr)

Genes: RIF1 (replication timing regulatory factor 1; plus strand), NEB (nebulin; minus strand). Cytogenetic location: 2q23.3.
Variant type: single nucleotide variant.
Coding change: c.21403C>T on transcript NM_001164508.2 (MANE Select); coding-DNA position 21403, C replaced by T.
Protein change: p.His7135Tyr; replaces histidine 7135 with tyrosine.
Molecular consequence: missense variant. On other transcripts: intron variant (2).
Genome position (GRCh38, 1-based): chr2:151,533,456, G>A on the plus strand (C>T on the coding strand, the complement: NEB is on the minus strand). VCF-style: chr2-151533456-G-A. GRCh37 (hg19) VCF-style: chr2-152389970-G-A.
Other names: c.21508C>T, p.His7170Tyr (NM_001271208.2); c.16314+759C>T (NM_004543.5); c.21417+759C>T (NM_001164507.2); short protein forms H7170Y, H7135Y.
Identifiers: ClinVar variation 1954058 (VCV001954058.2), dbSNP rs946516629, ClinGen allele CA57633855.
Genomic context (GRCh38, chr2:151,533,456, plus strand): 5'-CAAGACTTCTTCTAAACCTCCTTCTTCACATCCCATCAGACATTACCTGGCTCCACATAT[G>A]CGAATTGTAGAGAGCAGTCAACATATCTGGACGCAGAATTTCATTACATCCATGTTGCAG-3'
Protein context (NP_001157980.2, residues 7125-7145): PDMLTALYNS[His7135Tyr]MWSQIKYRKN